The following is an entry in ClinVar:

NM_001267550.2(TTN):c.18250T>C (p.Cys6084Arg)

Genes: TTN (titin; minus strand), LOC126806430 (BRD4-independent group 4 enhancer GRCh37_chr2:179593794-179594993; plus strand). Cytogenetic location: 2q31.2.
Variant type: single nucleotide variant.
Coding change: c.18250T>C on transcript NM_001267550.2 (MANE Select); coding-DNA position 18250, T replaced by C.
Protein change: p.Cys6084Arg; replaces cysteine 6084 with arginine.
Molecular consequence: missense variant. On other transcripts: intron variant (3).
Genome position (GRCh38, 1-based): chr2:178,730,150, A>G on the plus strand (T>C on the coding strand, the complement: TTN is on the minus strand). VCF-style: chr2-178730150-A-G. GRCh37 (hg19) VCF-style: chr2-179594877-A-G.
Other names: p.C5767R:TGC>CGC; c.17299T>C, p.Cys5767Arg (NM_001256850.1); c.14518T>C, p.Cys4840Arg (NM_133378.4); c.13282+7932T>C (NM_003319.4); c.13858+7932T>C (NM_133437.4); c.13657+7932T>C (NM_133432.3); short protein forms C5767R, C6084R, C4840R.
Identifiers: ClinVar variation 203269 (VCV000203269.2), dbSNP rs794729615, ClinGen allele CA311871.

ClinVar aggregate classification (germline): Uncertain significance (1 of 4 stars; one submission).

Submission:

GeneDx
Classification: Uncertain significance. Last evaluated: 2013-02-20. Review status: criteria provided, single submitter. Criteria: GeneDx Variant Classification (06012015). Collection method: clinical testing. Allele origin: germline. Affected: yes.
Comment: Missense variants in the TTN gene are considered 'unclassified' if they are not previously reported in the literature and do not have >1% frequency in the population to be considered a polymorphism. Research indicates that truncating mutations in the TTN gene are expected to account for approximately 25% of familial and 18% of sporadic idiopathic DCM; however, truncating variants in the TTN gene have been reported in approximately 3% of reported control alleles. There has been little investigation into non-truncating variants. (Herman D et al. Truncations of titin causing dilated cardiomyopathy. N Eng J Med 366:619-628, 2012) The variant is found in DCM panel(s).